The following is an entry in ClinVar:

NM_001377265.1(MAPT):c.233G>A (p.Gly78Asp)

Gene: MAPT (microtubule associated protein tau). Cytogenetic location: 17q21.31.
Variant type: single nucleotide variant.
Coding change: c.233G>A on transcript NM_001377265.1 (MANE Select); coding-DNA position 233, G replaced by A.
Protein change: p.Gly78Asp; replaces glycine 78 with aspartic acid.
Molecular consequence: missense variant. On other transcripts: non-coding transcript variant (1).
Genome position (GRCh38, 1-based): chr17:45,978,387, G>A. VCF-style: chr17-45978387-G-A. GRCh37 (hg19) VCF-style: chr17-44055753-G-A.
Other names: c.320G>A, p.Gly107Asp (NM_001123066.4, NM_001203252.2, NM_005910.6 and 1 more transcripts); c.233G>A, p.Gly78Asp (NM_001123067.4, NM_001203251.2, NM_001377266.1 and 1 more transcripts); c.146G>A, p.Gly49Asp (NM_001377268.1, NM_016834.5, NM_016841.5); short protein forms G107D, G78D, G49D.
Identifiers: ClinVar variation 1521521 (VCV001521521.8), dbSNP rs144397565, ClinGen allele CA8617638.
Genomic context (GRCh38, chr17:45,978,387, plus strand): 5'-ATAACTGTCTTGCTTTTACCCCCCTTCATTTGCTGACACATACACCAGCTGAAGAAGCAG[G>A]CATTGGAGACACCCCCAGCCTGGAAGACGAAGCTGCTGGTCACGTGACCCAAGGTCAGTG-3'
Protein context (NP_001364194.1, residues 68-88): STPTAEAEEA[Gly78Asp]IGDTPSLEDE

ClinVar aggregate classification (germline): Uncertain significance (1 of 4 stars; one submission).

Conditions:
Frontotemporal dementia (FTD1). Also called: Frontotemporal Dementia with Parkinsonism-17 (FTDP-17); Frontotemporal lobe dementia (FLDEM); FRONTOTEMPORAL DEMENTIA WITH PARKINSONISM; FRONTOTEMPORAL LOBE DEMENTIA; FRONTOTEMPORAL LOBAR DEGENERATION WITH TAU INCLUSIONS; FTLD WITH TAU INCLUSIONS. Identifiers: Orphanet 282, MedGen C0338451, MONDO:0017276, OMIM 600274, HP:0002145.

Allele frequency attached by ClinVar (database versions not stated): ESP Exome Variant Server 0.00046.
gnomAD v4.1: 43 of 1,613,778 alleles (0.0027%); highest among the groups gnomAD compares: African/African-American, 0.053%; no homozygotes.

Submission:

Labcorp Genetics (formerly Invitae), Labcorp
Classification: Uncertain significance for Frontotemporal dementia. Last evaluated: 2026-01-27. Review status: criteria provided, single submitter. Criteria: Invitae Variant Classification Sherloc (09022015). Collection method: clinical testing. Allele origin: germline.
Comment: This sequence change replaces glycine, which is neutral and non-polar, with aspartic acid, which is acidic and polar, at codon 107 of the MAPT protein (p.Gly107Asp). This variant is present in population databases (rs144397565, gnomAD 0.05%). This variant has not been reported in the literature in individuals affected with MAPT-related conditions. ClinVar contains an entry for this variant (Variation ID: 1521521). An algorithm developed to predict the effect of missense changes on protein structure and function (PolyPhen-2) suggests that this variant is likely to be disruptive. In summary, the available evidence is currently insufficient to determine the role of this variant in disease. Therefore, it has been classified as a Variant of Uncertain Significance.